The following is an entry in ClinVar:

NM_000186.4(CFH):c.2773C>T (p.Gln925Ter)

Gene: CFH (complement factor H; plus strand). Cytogenetic location: 1q31.3.
Variant type: single nucleotide variant.
Coding change: c.2773C>T on transcript NM_000186.4 (MANE Select); coding-DNA position 2773, C replaced by T.
Protein change: p.Gln925Ter; replaces glutamine 925 with a stop codon.
Molecular consequence: nonsense.
Genome position (GRCh38, 1-based): chr1:196,737,651, C>T. VCF-style: chr1-196737651-C-T. GRCh37 (hg19) VCF-style: chr1-196706781-C-T.
Other names: short protein forms Q925*.
Identifiers: ClinVar variation 4291508 (VCV004291508.1).

ClinVar aggregate classification (germline): Pathogenic (1 of 4 stars; one submission).

Conditions:
Atypical hemolytic-uremic syndrome. Identifiers: Orphanet 2134, MedGen C2931788, MONDO:0016244.

gnomAD v4.1: 1 of 1,613,018 alleles (0.000062%); highest among the groups gnomAD compares: Non-Finnish European, 0.000085%; no homozygotes.

Submission:

Genomenon, Inc
Classification: Pathogenic for Atypical hemolytic-uremic syndrome. Last evaluated: 2025-10-02. Review status: criteria provided, single submitter. Criteria: Genomenon Sequence Variant Interpretation Standards - Updated. Collection method: curation. Allele origin: germline. Affected: yes.
Comment: CFH p.Gln925Ter (c.2773C>T) is a nonsense variant that introduces a premature stop codon at amino acid position 925, creating a truncated protein that is predicted to undergo nonsense-mediated mRNA decay. This variant has been observed in at least one proband affected with atypical hemolytic-uremic syndrome (PMID:23431077;14978182). It is absent or not present at a significant frequency in gnomAD. In conclusion, we classify CFH p.Gln925Ter (c.2773C>T) as a pathogenic variant.

Literature cited by the submitters: PubMed 23431077; PubMed 14978182.